The following is an entry in ClinVar:

NM_001287491.2(TET3):c.5072T>A (p.Leu1691Gln)

Gene: TET3 (tet methylcytosine dioxygenase 3; plus strand). Cytogenetic location: 2p13.1.
Variant type: single nucleotide variant.
Coding change: c.5072T>A on transcript NM_001287491.2 (MANE Select); coding-DNA position 5072, T replaced by A.
Protein change: p.Leu1691Gln; replaces leucine 1691 with glutamine.
Molecular consequence: missense variant.
Genome position (GRCh38, 1-based): chr2:74,101,860, T>A. VCF-style: chr2-74101860-T-A. GRCh37 (hg19) VCF-style: chr2-74328987-T-A.
Other names: c.4793T>A, p.Leu1598Gln (NM_001366022.1); short protein forms L1598Q, L1691Q.
Identifiers: ClinVar variation 3907997 (VCV003907997.1).

ClinVar aggregate classification (germline): Uncertain significance (1 of 4 stars; one submission).

Submission:

GeneDx
Classification: Uncertain significance. Last evaluated: 2024-12-27. Review status: criteria provided, single submitter. Criteria: GeneDx Variant Classification Process June 2021. Collection method: clinical testing. Allele origin: germline. Affected: yes.
Comment: Not observed at significant frequency in large population cohorts (gnomAD); In silico analysis supports that this missense variant has a deleterious effect on protein structure/function; Has not been previously published as pathogenic or benign to our knowledge